The following is an entry in ClinVar:

NM_012200.4(B3GAT3):c.778C>G (p.Leu260Val)

Gene: B3GAT3 (beta-1,3-glucuronyltransferase 3; minus strand). Cytogenetic location: 11q12.3.
Variant type: single nucleotide variant.
Coding change: c.778C>G on transcript NM_012200.4 (MANE Select); coding-DNA position 778, C replaced by G.
Protein change: p.Leu260Val; replaces leucine 260 with valine.
Molecular consequence: missense variant. On other transcripts: non-coding transcript variant (1).
Genome position (GRCh38, 1-based): chr11:62,616,637, G>C on the plus strand (C>G on the coding strand, the complement: B3GAT3 is on the minus strand). VCF-style: chr11-62616637-G-C. GRCh37 (hg19) VCF-style: chr11-62384109-G-C.
Other names: c.757C>G, p.Leu253Val (NM_001288721.2); c.778C>G, p.Leu260Val (NM_001288722.2, NM_001288723.2); short protein forms L253V, L260V.
Identifiers: ClinVar variation 1713979 (VCV001713979.3), dbSNP rs1349289986, ClinGen allele CA380975603.
Genomic context (GRCh38, chr11:62,616,637, plus strand): 5'-GGTGGCCCCGGGGAGCGGTGGAATCAAATTGGGCATTGGGCTTATCTAACAGCAAGGGCA[G>C]GGCCACGGCAAATCCAGCCATATCCACAGGGAAGGGCCTGCTGGGCTCCCATGCTGTGTG-3'
Protein context (NP_036332.2, residues 250-270): PVDMAGFAVA[Leu260Val]PLLLDKPNAQ

ClinVar aggregate classification (germline): Uncertain significance (1 of 4 stars; one submission).

Conditions:
Larsen-like syndrome, B3GAT3 type. Also called: MULTIPLE JOINT DISLOCATIONS, SHORT STATURE, AND CRANIOFACIAL DYSMORPHISM WITH OR WITHOUT CONGENITAL HEART DEFECTS; Multiple joint dislocations, short stature, craniofacial dysmorphism, with or without congenital heart defects. Identifiers: Orphanet 284139, MedGen CN034159, MONDO:0009511, OMIM 245600.

Allele frequency attached by ClinVar (database versions not stated): gnomAD exomes below 0.00001; TOPMed below 0.00001; gnomAD 0.00001.
gnomAD v4.1: 4 of 1,614,120 alleles (0.00025%); highest among the groups gnomAD compares: Non-Finnish European, 0.00034%; no homozygotes.

Submission:

Labcorp Genetics (formerly Invitae), Labcorp
Classification: Uncertain significance for Larsen-like syndrome, B3GAT3 type. Last evaluated: 2022-07-27. Review status: criteria provided, single submitter. Criteria: Invitae Variant Classification Sherloc (09022015). Collection method: clinical testing. Allele origin: germline.
Comment: This sequence change replaces leucine, which is neutral and non-polar, with valine, which is neutral and non-polar, at codon 260 of the B3GAT3 protein (p.Leu260Val). This variant is not present in population databases (gnomAD no frequency). This variant has not been reported in the literature in individuals affected with B3GAT3-related conditions. Algorithms developed to predict the effect of missense changes on protein structure and function (SIFT, PolyPhen-2, Align-GVGD) all suggest that this variant is likely to be tolerated. In summary, the available evidence is currently insufficient to determine the role of this variant in disease. Therefore, it has been classified as a Variant of Uncertain Significance.